The following is an entry in ClinVar:

ClinVar aggregate classification (germline): Uncertain significance. Review status: criteria provided, multiple submitters, no conflicts (2 of 4 stars). 2 submissions from 2 submitters: Uncertain significance (2). Last evaluated 2024-10-07.

Conditions:
Hereditary cancer-predisposing syndrome. Also called: Hereditary Cancer Syndrome; Tumor predisposition; Hereditary neoplastic syndrome; Neoplastic Syndromes, Hereditary. Identifiers: Orphanet 140162, MedGen C0027672, MeSH D009386, MONDO:0015356.

Submissions (2):

Color Diagnostics, LLC DBA Color Health
Classification: Uncertain significance for Hereditary cancer-predisposing syndrome. Last evaluated: 2024-10-07. Review status: criteria provided, single submitter. Criteria: ACMG Guidelines, 2015. Collection method: clinical testing. Allele origin: germline.
Comment: This missense variant replaces cysteine with phenylalanine at codon 444 of the BMPR1A protein. Computational prediction is inconclusive regarding the impact of this variant on protein structure and function. To our knowledge, functional studies have not been reported for this variant. This variant has not been reported in individuals affected with BMPR1A-related disorders in the literature. This variant has not been identified in the general population by the Genome Aggregation Database (gnomAD). The available evidence is insufficient to determine the role of this variant in disease conclusively. Therefore, this variant is classified as a Variant of Uncertain Significance.

Ambry Genetics
Classification: Uncertain significance for Hereditary cancer-predisposing syndrome. Last evaluated: 2024-06-20. Review status: criteria provided, single submitter. Criteria: Ambry Variant Classification Scheme 2023. Collection method: clinical testing. Allele origin: germline.
Comment: The p.C444F variant (also known as c.1331G>T), located in coding exon 9 of the BMPR1A gene, results from a G to T substitution at nucleotide position 1331. The cysteine at codon 444 is replaced by phenylalanine, an amino acid with highly dissimilar properties. This amino acid position is conserved. In addition, this alteration is predicted to be deleterious by in silico analysis. Based on the available evidence, the clinical significance of this variant remains unclear.

NM_004329.3(BMPR1A):c.1331G>T (p.Cys444Phe)

Gene: BMPR1A (bone morphogenetic protein receptor type 1A; plus strand). Cytogenetic location: 10q23.2.
Variant type: single nucleotide variant.
Coding change: c.1331G>T on transcript NM_004329.3 (MANE Select); coding-DNA position 1331, G replaced by T.
Protein change: p.Cys444Phe; replaces cysteine 444 with phenylalanine.
Molecular consequence: missense variant. On other transcripts: non-coding transcript variant (3).
Genome position (GRCh38, 1-based): chr10:86,921,684, G>T. VCF-style: chr10-86921684-G-T. GRCh37 (hg19) VCF-style: chr10-88681441-G-T.
Other names: c.1331G>T, p.Cys444Phe (NM_001406564.1, NM_001406566.1, NM_001406565.1 and 19 more transcripts); c.1406G>T, p.Cys469Phe (NM_001406559.1); c.1379G>T, p.Cys460Phe (NM_001406560.1); c.1325G>T, p.Cys442Phe (NM_001406583.1); c.1247G>T, p.Cys416Phe (NM_001406584.1, NM_001406585.1, NM_001406586.1 and 2 more transcripts); c.989G>T, p.Cys330Phe (NM_001406589.1); short protein forms C416F, C444F, C330F, C469F, C442F, C460F.
Identifiers: ClinVar variation 3261235 (VCV003261235.2).
Genomic context (GRCh38, chr10:86,921,684, plus strand): 5'-CCTACATCATGGCTGACATCTACAGCTTCGGCCTAATCATTTGGGAGATGGCTCGTCGTT[G>T]TATCACAGGAGGTGGGAGTTTGAGTAGTTTCTGATTATGTTGATTTACTCATCATTTTAA-3'
Protein context (NP_004320.2, residues 434-454): GLIIWEMARR[Cys444Phe]ITGGIVEEYQ